The following is an entry in ClinVar:

NM_001846.4(COL4A2):c.3247G>A (p.Glu1083Lys)

Gene: COL4A2 (collagen type IV alpha 2 chain; plus strand). Cytogenetic location: 13q34.
Variant type: single nucleotide variant.
Coding change: c.3247G>A on transcript NM_001846.4 (MANE Select); coding-DNA position 3247, G replaced by A.
Protein change: p.Glu1083Lys; replaces glutamic acid 1083 with lysine.
Molecular consequence: missense variant.
Genome position (GRCh38, 1-based): chr13:110,489,484, G>A. VCF-style: chr13-110489484-G-A. GRCh37 (hg19) VCF-style: chr13-111141831-G-A.
Other names: short protein forms E1083K.
Identifiers: ClinVar variation 2081015 (VCV002081015.2), dbSNP rs1022756703, ClinGen allele CA256287068.

ClinVar aggregate classification (germline): Uncertain significance. Review status: criteria provided, multiple submitters, no conflicts (2 of 4 stars). 2 submissions from 2 submitters: Uncertain significance (2). Last evaluated 2025-02-24.

Allele frequency attached by ClinVar (database versions not stated): gnomAD 0.00001; gnomAD exomes 0.00002; TOPMed 0.00002.
gnomAD v4.1: 26 of 1,614,094 alleles (0.0016%); highest among the groups gnomAD compares: East Asian, 0.0089%; no homozygotes.

Submissions (2):

Women's Health and Genetics/Laboratory Corporation of America, LabCorp
Classification: Uncertain significance. Last evaluated: 2025-02-24. Review status: criteria provided, single submitter. Criteria: LabCorp Variant Classification Summary - May 2015. Collection method: clinical testing. Allele origin: germline.
Comment: Variant summary: COL4A2 c.3247G>A (p.Glu1083Lys) results in a conservative amino acid change in the encoded protein sequence. Three of five in-silico tools predict a benign effect of the variant on protein function. The variant allele was found at a frequency of 8e-06 in 249590 control chromosomes (gnomAD). The available data on variant occurrences in the general population are insufficient to allow any conclusion about variant significance. To our knowledge, no occurrence of c.3247G>A in individuals affected with Porencephaly 2 and no experimental evidence demonstrating its impact on protein function have been reported. ClinVar contains an entry for this variant (Variation ID: 2081015). Based on the evidence outlined above, the variant was classified as uncertain significance.

Labcorp Genetics (formerly Invitae), Labcorp
Classification: Uncertain significance. Last evaluated: 2022-10-14. Review status: criteria provided, single submitter. Criteria: Invitae Variant Classification Sherloc (09022015). Collection method: clinical testing. Allele origin: germline.
Comment: This sequence change replaces glutamic acid, which is acidic and polar, with lysine, which is basic and polar, at codon 1083 of the COL4A2 protein (p.Glu1083Lys). This variant is present in population databases (no rsID available, gnomAD 0.01%). This variant has not been reported in the literature in individuals affected with COL4A2-related conditions. Advanced modeling of protein sequence and biophysical properties (such as structural, functional, and spatial information, amino acid conservation, physicochemical variation, residue mobility, and thermodynamic stability) performed at Invitae indicates that this missense variant is not expected to disrupt COL4A2 protein function. In summary, the available evidence is currently insufficient to determine the role of this variant in disease. Therefore, it has been classified as a Variant of Uncertain Significance.